The following is an entry in ClinVar:

NM_001846.4(COL4A2):c.-44-1G>C

Gene: COL4A2 (collagen type IV alpha 2 chain; plus strand). Cytogenetic location: 13q34.
Variant type: single nucleotide variant.
Coding change: c.-44-1G>C on transcript NM_001846.4 (MANE Select); the canonical splice acceptor site of the intron before 44 bases upstream of the start codon, G replaced by C.
Molecular consequence: splice acceptor variant.
Genome position (GRCh38, 1-based): chr13:110,307,859, G>C. VCF-style: chr13-110307859-G-C. GRCh37 (hg19) VCF-style: chr13-110960206-G-C.
Identifiers: ClinVar variation 1316039 (VCV001316039.2), dbSNP rs373395207, ClinGen allele CA7048697.

ClinVar aggregate classification (germline): Uncertain significance (1 of 4 stars; one submission).

Allele frequency attached by ClinVar (database versions not stated): TOPMed below 0.00001; ExAC 0.00002; gnomAD exomes 0.00002; ESP Exome Variant Server 0.00008.
gnomAD v4.1: 10 of 1,595,850 alleles (0.00063%); highest among the groups gnomAD compares: Non-Finnish European, 0.00085%; no homozygotes.

Submission:

GeneDx
Classification: Uncertain significance. Last evaluated: 2019-12-16. Review status: criteria provided, single submitter. Criteria: GeneDx Variant Classification Process June 2021. Collection method: clinical testing. Allele origin: germline. Affected: yes.
Comment: Not observed at a significant frequency in large population cohorts (Lek et al., 2016); Canonical splice site variant in a gene for which loss-of-function is not a known mechanism of disease; Has not been previously published as pathogenic or benign to our knowledge